The following is an entry in ClinVar:

NM_000180.4(GUCY2D):c.3102C>T (p.Gly1034=)

Gene: GUCY2D (guanylate cyclase 2D, retinal; plus strand). Cytogenetic location: 17p13.1.
Variant type: single nucleotide variant.
Coding change: c.3102C>T on transcript NM_000180.4 (MANE Select); coding-DNA position 3102, C replaced by T.
Protein change: p.Gly1034=; no amino-acid change (glycine 1034 retained).
Molecular consequence: synonymous variant.
Genome position (GRCh38, 1-based): chr17:8,015,985, C>T. VCF-style: chr17-8015985-C-T. GRCh37 (hg19) VCF-style: chr17-7919303-C-T.
Other names: c.3102C>T (NM_000180.3).
Identifiers: ClinVar variation 1121996 (VCV001121996.11), dbSNP rs749621660, ClinGen allele CA8366313.

ClinVar aggregate classification (germline): Likely benign. Review status: criteria provided, multiple submitters, no conflicts (2 of 4 stars). 3 submissions from 3 submitters: Likely benign (3). Last evaluated 2026-04-16.

Conditions:
GUCY2D-related disorder. Also called: GUCY2D-related condition.
Leber congenital amaurosis 1 (LCA1). Also called: AMAUROSIS CONGENITA OF LEBER I; Congenital absence of the rods and cones; Leber's congenital tapetoretinal degeneration; Leber's congenital tapetoretinal dysplasia; RETINAL BLINDNESS, CONGENITAL. Identifiers: Orphanet 65, MedGen C2931258, MONDO:0008764, OMIM 204000.
Cone-rod dystrophy 6 (CORD6). Also called: Cone dystrophy progressive; RETINAL CONE DYSTROPHY 2. Identifiers: Orphanet 1872, MedGen C1866293, MONDO:0011143, OMIM 601777.

Allele frequency attached by ClinVar (database versions not stated): ExAC 0.00003; gnomAD 0.00003 and 0.00004; gnomAD exomes 0.00003; TOPMed 0.00003.
gnomAD v4.1: 60 of 1,611,486 alleles (0.0037%); highest among the groups gnomAD compares: Middle Eastern, 0.082%; no homozygotes.

Submissions (3):

PreventionGenetics, part of Exact Sciences
Classification: Likely benign for GUCY2D-related condition. Last evaluated: 2026-04-16. Review status: criteria provided, single submitter. Criteria: ACMG Guidelines, 2015. Collection method: clinical testing. Allele origin: germline.
Comment: This variant is classified as likely benign based on ACMG/AMP sequence variant interpretation guidelines (Richards et al. 2015 PMID: 25741868, with internal and published modifications).

Labcorp Genetics (formerly Invitae), Labcorp
Classification: Likely benign for Leber congenital amaurosis 1; Cone-rod dystrophy 6. Last evaluated: 2024-11-12. Review status: criteria provided, single submitter. Criteria: Invitae Variant Classification Sherloc (09022015). Collection method: clinical testing. Allele origin: germline.

Blueprint Genetics
Classification: Likely benign. Last evaluated: 2023-09-29. Review status: criteria provided, single submitter. Criteria: ACMG Guidelines, 2015. Collection method: clinical testing. Allele origin: germline.